The following is an entry in ClinVar:

ClinVar aggregate classification (germline): Uncertain significance (1 of 4 stars; one submission).

Allele frequency attached by ClinVar (database versions not stated): gnomAD exomes below 0.00001 and 0.00001; gnomAD 0.00001; TOPMed 0.00001.
gnomAD v4.1: 5 of 1,605,756 alleles (0.00031%); highest among the groups gnomAD compares: Admixed American, 0.0034%; no homozygotes.

Submission:

Labcorp Genetics (formerly Invitae), Labcorp
Classification: Uncertain significance. Last evaluated: 2022-07-06. Review status: criteria provided, single submitter. Criteria: Invitae Variant Classification Sherloc (09022015). Collection method: clinical testing. Allele origin: germline.
Comment: This sequence change falls in intron 38 of the COL17A1 gene. It does not directly change the encoded amino acid sequence of the COL17A1 protein. It affects a nucleotide within the consensus splice site. This variant is present in population databases (no rsID available, gnomAD 0.003%). This variant has not been reported in the literature in individuals affected with COL17A1-related conditions. ClinVar contains an entry for this variant (Variation ID: 1425602). Variants that disrupt the consensus splice site are a relatively common cause of aberrant splicing (PMID: 17576681, 9536098). Algorithms developed to predict the effect of sequence changes on RNA splicing suggest that this variant is not likely to affect RNA splicing. In summary, the available evidence is currently insufficient to determine the role of this variant in disease. Therefore, it has been classified as a Variant of Uncertain Significance.

Literature cited by the submitters: PubMed 17576681; PubMed 9536098.

NM_000494.4(COL17A1):c.2648-3T>C

Gene: COL17A1 (collagen type XVII alpha 1 chain; minus strand). Cytogenetic location: 10q25.1.
Variant type: single nucleotide variant.
Coding change: c.2648-3T>C on transcript NM_000494.4 (MANE Select); 3 bases into the intron before coding-DNA position 2648, T replaced by C.
Molecular consequence: intron variant.
Genome position (GRCh38, 1-based): chr10:104,041,121, A>G on the plus strand (T>C on the coding strand, the complement: COL17A1 is on the minus strand). VCF-style: chr10-104041121-A-G. GRCh37 (hg19) VCF-style: chr10-105800879-A-G.
Identifiers: ClinVar variation 1425602 (VCV001425602.3), dbSNP rs1373384692, ClinGen allele CA595674390.
Genomic context (GRCh38, chr10:104,041,121, plus strand): 5'-TTACCTGAGTTGGACAGGAACGATCCTGGTGGGCCTGGTGGGCCTGGCAAACCCTCCCCT[A>G]GGAAAGAGAACCCCCAAGACTTATTAGTGCCAAGAGGGGAGCCAGGAACCCTCTGCTCAG-3'